The following is an entry in ClinVar:

NM_001375380.1(EBF3):c.469C>T (p.His157Tyr)

Gene: EBF3 (EBF transcription factor 3; minus strand). Cytogenetic location: 10q26.3.
Variant type: single nucleotide variant.
Coding change: c.469C>T on transcript NM_001375380.1 (MANE Select); coding-DNA position 469, C replaced by T.
Protein change: p.His157Tyr; replaces histidine 157 with tyrosine.
Molecular consequence: missense variant.
Genome position (GRCh38, 1-based): chr10:129,958,950, G>A on the plus strand (C>T on the coding strand, the complement: EBF3 is on the minus strand). VCF-style: chr10-129958950-G-A. GRCh37 (hg19) VCF-style: chr10-131757214-G-A.
Other names: c.469C>T, p.His157Tyr (NM_001005463.3, NM_001375379.1, NM_001375389.1 and 3 more transcripts); short protein forms H157Y.
Identifiers: ClinVar variation 451021 (VCV000451021.5), dbSNP rs1554935464, ClinGen allele CA378910639.

ClinVar aggregate classification (germline): Pathogenic. Review status: criteria provided, multiple submitters, no conflicts (2 of 4 stars). 2 submissions from 2 submitters: Pathogenic (2). Last evaluated 2021-11-03.

Submissions (2):

Institute for Clinical Genetics, University Hospital TU Dresden, University Hospital TU Dresden
Classification: Pathogenic. Last evaluated: 2021-11-03. Review status: criteria provided, single submitter. Criteria: ACMG Guidelines, 2015. Collection method: clinical testing. Allele origin: germline.

GeneDx
Classification: Pathogenic. Last evaluated: 2017-08-04. Review status: criteria provided, single submitter. Criteria: GeneDx Variant Classification (06012015). Collection method: clinical testing. Allele origin: germline. Affected: yes.
Comment: The H157Y pathogenic variant in the EBF3 gene has not been reported previously as a pathogenic variant, nor as a benign variant, to our knowledge. The H157Y variant is not observed in large population cohorts (Lek et al., 2016; 1000 Genomes Consortium et al., 2015; Exome Variant Server). The H157Y variant is a non-conservative amino acid substitution, which is likely to impact secondary protein structure as these residues differ in polarity, charge, size and/or other properties. This substitution occurs at a position that is conserved across species, and in silico analysis predicts this variant is probably damaging to the protein structure/function. A different missense change at this residue (H157Q) has been reported at GeneDx. We interpret H157Y as a pathogenic variant.